The following is an entry in ClinVar:

NM_000443.4(ABCB4):c.3774G>A (p.Gln1258=)

Gene: ABCB4 (ATP binding cassette subfamily B member 4; minus strand). Cytogenetic location: 7q21.12.
Variant type: single nucleotide variant.
Coding change: c.3774G>A on transcript NM_000443.4 (MANE Select); coding-DNA position 3774, G replaced by A.
Protein change: p.Gln1258=; no amino-acid change (glutamine 1258 retained).
Molecular consequence: synonymous variant.
Genome position (GRCh38, 1-based): chr7:87,402,162, C>T on the plus strand (G>A on the coding strand, the complement: ABCB4 is on the minus strand). VCF-style: chr7-87402162-C-T. GRCh37 (hg19) VCF-style: chr7-87031478-C-T.
Other names: c.3795G>A, p.Gln1265= (NM_018849.3); c.3633G>A, p.Gln1211= (NM_018850.3).
Identifiers: ClinVar variation 4846582 (VCV004846582.1).

ClinVar aggregate classification (germline): Likely benign (1 of 4 stars; one submission).

Conditions:
Familial intrahepatic cholestasis. Identifiers: Orphanet 284385, MedGen CN296401, MONDO:0017290.
Low phospholipid associated cholelithiasis (GBD1). Also called: Gallbladder disease 1; Gallstone cholecystitis. Identifiers: Orphanet 69663, MedGen C2609268, MONDO:0010939, OMIM 600803.

gnomAD v4.1: 2 of 1,614,088 alleles (0.00012%); highest among the groups gnomAD compares: South Asian, 0.0022%; no homozygotes.

Submission:

Genomenon, Inc
Classification: Likely benign for Familial intrahepatic cholestasis; Low phospholipid associated cholelithiasis. Last evaluated: 2026-04-14. Review status: criteria provided, single submitter. Criteria: Genomenon Sequence Variant Interpretation Standards - Updated. Collection method: curation. Allele origin: germline. Affected: no.
Comment: ABCB4 c.3774G>A is a synonymous variant that retains Glutamine at residue 1258. This variant has been reported in the published literature (PMID:30079523). It is absent or not present at a significant frequency in gnomAD. This synonymous variant is not predicted to impact splicing. In conclusion, we classify ABCB4 p.Gln1258= (c.3774G>A) as a likely benign variant.

Literature cited by the submitters: PubMed 30079523.